The following is an entry in ClinVar:

NM_000784.4(CYP27A1):c.1214G>A (p.Arg405Gln)

Gene: CYP27A1 (cytochrome P450 family 27 subfamily A member 1; plus strand). Cytogenetic location: 2q35.
Variant type: single nucleotide variant.
Coding change: c.1214G>A on transcript NM_000784.4 (MANE Select); coding-DNA position 1214, G replaced by A.
Protein change: p.Arg405Gln; replaces arginine 405 with glutamine.
Molecular consequence: missense variant.
Genome position (GRCh38, 1-based): chr2:218,814,409, G>A. VCF-style: chr2-218814409-G-A. GRCh37 (hg19) VCF-style: chr2-219679132-G-A.
Other names: R372Q; short protein forms R405Q.
Identifiers: ClinVar variation 4260 (VCV000004260.41), dbSNP rs121908099, ClinGen allele CA340216.
Genomic context (GRCh38, chr2:218,814,409, plus strand): 5'-GAGCAGACTCCAGACATTCTTTTCCCTGCAGTCTCTACCCTGTGGTCCCCACAAACTCCC[G>A]GATCATAGAAAAGGAAATTGAAGTTGATGGCTTCCTCTTCCCCAAGAACGTGAGTGGGGC-3'
Protein context (NP_000775.1, residues 395-415): RLYPVVPTNS[Arg405Gln]IIEKEIEVDG

ClinVar aggregate classification (germline): Pathogenic/Likely pathogenic. Review status: criteria provided, multiple submitters, no conflicts (2 of 4 stars). 16 submissions from 16 submitters: Pathogenic (12); Likely pathogenic (1). 3 of the submissions do not count toward it. Last evaluated 2026-08-04.

Conditions:
CYP27A1-related disorder. Also called: CYP27A1-related condition.
Cholestanol storage disease (CTX). Also called: CEREBRAL CHOLESTERINOSIS; Cerebrotendinous Xanthomatosis; CTX: Cerebrotendinous xanthomatosis. Identifiers: Orphanet 909, MedGen C0238052, MONDO:0008948, OMIM 213700.
Intellectual disability. Also called: Intellectual functioning disability; intellectual disabilities; Intellectual developmental disorder. Identifiers: MedGen C3714756, MeSH D008607, MONDO:0001071, HP:0001249.

Allele frequency attached by ClinVar (database versions not stated): ExAC 0.00007; TOPMed 0.00003; gnomAD 0.00001 and 0.00003; gnomAD exomes 0.00002 and 0.00004; 1000 Genomes Project 0.00020; 1000 Genomes Project 30x 0.00031.

Submissions (16):

GeneDx
Classification: Pathogenic. Last evaluated: 2026-08-04. Review status: criteria provided, single submitter. Criteria: GeneDx Variant Classification Process June 2021. Collection method: clinical testing. Allele origin: germline.
Comment: In silico analysis supports that this missense variant has a deleterious effect on protein structure/function; This variant is associated with the following publications: (PMID: 36803198, 35531120, 25447658, 9186905, 25941960, 26861945, 30609409, 28937538, 16816916, 29321515, 21958693, 28623566, 31589614, 32523054, 35578252, 14741198, 38987800, 33414089)

PreventionGenetics, part of Exact Sciences
Classification: Pathogenic for CYP27A1-related condition. Last evaluated: 2026-03-31. Review status: criteria provided, single submitter. Criteria: ACMG Guidelines, 2015. Collection method: clinical testing. Allele origin: germline.
Comment: The CYP27A1 c.1214G>A variant is predicted to result in the amino acid substitution p.Arg405Gln. Of note, in the literature this variant is also reported as p.Arg372Gln or R372Q. This variant has been reported in the homozygous and compound heterozygous states in individuals with cerebrotendinous xanthomatosis (Chen et al. 1997. PubMed ID: 9186905; Mak et al. 2004. PubMed ID: 14741198; Suh et al. 2012. PubMed ID: 21958693; Yoshinaga et al. 2014. PubMed ID: 25447658; Chen et al. 2017. PubMed ID: 28623566) and in the compound heterozygous state in an individual with late-onset spinal form xanthomatosis without brain lesions (Yanagihashi et al. 2016. PubMed ID: 26861945). Functional studies have shown that this variant alters CYP27A1 function (Chen et al. 1997. PubMed ID: 9186905). This variant is reported in 0.033% of alleles in individuals of East Asian descent in gnomAD. This variant is interpreted as pathogenic.

Labcorp Genetics (formerly Invitae), Labcorp
Classification: Pathogenic for Cholestanol storage disease. Last evaluated: 2026-01-22. Review status: criteria provided, single submitter. Criteria: Invitae Variant Classification Sherloc (09022015). Collection method: clinical testing. Allele origin: germline.
Comment: This sequence change replaces arginine, which is basic and polar, with glutamine, which is neutral and polar, at codon 405 of the CYP27A1 protein (p.Arg405Gln). This variant is present in population databases (rs121908099, gnomAD 0.04%). This missense change has been observed in individual(s) with cerebrotendinous xanthomatosis (PMID: 9186905, 14741198, 21958693, 25447658, 25941960, 26861945, 28623566, 29321515). In at least one individual the data is consistent with being in trans (on the opposite chromosome) from a pathogenic variant. It has also been observed to segregate with disease in related individuals. ClinVar contains an entry for this variant (Variation ID: 4260). Invitae Evidence Modeling of protein sequence and biophysical properties (such as structural, functional, and spatial information, amino acid conservation, physicochemical variation, residue mobility, and thermodynamic stability) indicates that this missense variant is expected to disrupt CYP27A1 protein function with a positive predictive value of 95%. Experimental studies have shown that this missense change affects CYP27A1 function (PMID: 9186905). For these reasons, this variant has been classified as Pathogenic.

Natera, Inc.
Classification: Pathogenic for Cerebrotendinous xanthomatosis. Last evaluated: 2026-01-15. Review status: criteria provided, single submitter. Criteria: Natera Variant Classification Schema (03/2026). Collection method: clinical testing. Allele origin: germline.
Comment: The c.1214G>A variant in CYP27A1 is a missense variant predicted to cause substitution of arginine to glutamine at amino acid 405. This variant is rare in the general population with a frequency below the threshold expected for the associated phenotype(s). This variant has been observed in one or more individuals affected with the associated recessive disease, as either homozygous or compound heterozygous with a second variant (PMID: 9186905, 25941960). Additionally, this variant has been observed to segregate in affected family members (PMID: 9186905). Functional studies show that this variant may disrupt protein function (PMID: 9186905). Computational prediction algorithms indicate this variant is likely to affect gene or protein function. Given the available evidence, this variant is classified as Pathogenic.

Fulgent Genetics
Classification: Pathogenic for Cholestanol storage disease. Last evaluated: 2024-04-25. Review status: criteria provided, single submitter. Criteria: ACMG Guidelines, 2015. Collection method: clinical testing. Allele origin: germline.

Women's Health and Genetics/Laboratory Corporation of America, LabCorp
Classification: Pathogenic for Cholestanol storage disease. Last evaluated: 2023-07-25. Review status: criteria provided, single submitter. Criteria: LabCorp Variant Classification Summary - May 2015. Collection method: clinical testing. Allele origin: germline.
Comment: Variant summary: CYP27A1 c.1214G>A (p.Arg405Gln) results in a conservative amino acid change in the encoded protein sequence. Four of five in-silico tools predict a damaging effect of the variant on protein function. The variant allele was found at a frequency of 4e-05 in 251480 control chromosomes. This frequency is not significantly higher than estimated for a pathogenic variant in CYP27A1 causing Cerebrotendinous Xanthomatosis (4e-05 vs 0.0011), allowing no conclusion about variant significance. c.1214G>A has been reported in the literature in multiple individuals affected with Cerebrotendinous Xanthomatosis as a homozygous and compound heterozygous genotype (e.g. Chen_1997, Hong_2020, Zhang_2021) often presenting in infancy. These data indicate that the variant is very likely to be associated with disease. At least one publication reports experimental evidence evaluating an impact on protein function. The most pronounced variant effect results in 10%-<30% of normal CTX sterol 27-hydroxylase activity in vitro (e.g. Chen_1997). The following publications have been ascertained in the context of this evaluation (PMID: 9186905, 32523054, 33414089). 11 submitters have cited clinical-significance assessments for this variant to ClinVar after 2014, classifying the variant as pathogenic (n=8), likely pathogenic (n=2), or uncertain significance (n=1). Based on the evidence outlined above, the variant was classified as pathogenic.

Blueprint Genetics
Classification: Pathogenic for CYP27A1-related disorders. Last evaluated: 2023-07-07. Review status: criteria provided, single submitter. Criteria: ACMG Guidelines, 2015. Collection method: clinical testing. Allele origin: germline. Affected: yes. Observed: 4 variant alleles.

3billion
Classification: Pathogenic for Cholestanol storage disease. Last evaluated: 2023-02-23. Review status: criteria provided, single submitter. Criteria: ACMG Guidelines, 2015. Collection method: clinical testing. Allele origin: unknown. Affected: yes.
Comment: The variant is observed at an extremely low frequency in the gnomAD v2.1.1 dataset (total allele frequency: 0.004%). Protein truncation variants are a common disease-causing mechanism. In silico tool predictions suggest damaging effect of the variant on gene or gene product (REVEL: 0.89; 3Cnet: 0.42). Same nucleotide change resulting in same amino acid change and a different missense change at the same codon (p.Arg405Trp / ClinVar ID: VCV000065838) have been previously reported as pathogenic/likely pathogenic with strong evidence (ClinVar ID: VCV000004260). The variant has been reported to be in trans with a pathogenic variant as either compound heterozygous or homozygous in at least one similarly affected unrelated individual (PMID: 32523054). Therefore, this variant is classified as Pathogenic according to the recommendation of ACMG/AMP guideline.

Revvity Omics, Revvity
Classification: Pathogenic for Cholestanol storage disease. Last evaluated: 2022-05-12. Review status: criteria provided, single submitter. Criteria: ACMG Guidelines, 2015. Collection method: clinical testing. Allele origin: germline.

Eurofins Ntd Llc (ga)
Classification: Pathogenic. Last evaluated: 2017-12-11. Review status: criteria provided, single submitter. Criteria: EGL Classification Definitions 2015. Collection method: clinical testing. Allele origin: germline. Observed: 5 variant alleles, 5 heterozygotes.

Laboratory for Molecular Medicine, Mass General Brigham Personalized Medicine
Classification: Pathogenic for Cholestanol storage disease. Last evaluated: 2016-06-15. Review status: criteria provided, single submitter. Criteria: LMM Criteria. Collection method: clinical testing. Allele origin: germline. Inheritance: Autosomal recessive inheritance. Observed: 1 variant allele.
Comment: The p.Arg405Gln variant in CYP27A1 has been reported in at least 3 families (1 h omozygous and 2 compound heterozygous) with cerebrotendinous xanthomatosis and s egregated with disease in 3 affected relatives from 2 families (Chen 1997, Suh 2 011). It has also been reported, in the compound heterozygous state, in 2 patie nts with the spinal form of the disease (Abe 2015, Yanagihashi 2016). . In vitr o functional studies provide some evidence that the p.Arg405Gln variant may impa ct protein function (Chen 1997). This variant has been identified in 8/121,382 o f chromosomes by the Exome Aggregation Consortium (ExAC; dbSNP rs121908099). Although this variant has been seen in the general population, its frequency is low enough to be consistent with a recessive carrie r frequency. In summary, this variant meets our criteria to be classified as pat hogenic for cerebrotendinous xanthomatosis in an autosomal recessive manner, bas ed upon case observations, segregation studies, low frequency in controls and fu nctional evidence.

Soonchunhyang University Bucheon Hospital, Soonchunhyang University Medical Center
Classification: Likely pathogenic for Cholestanol storage disease. Last evaluated: 2016-03-18. Review status: criteria provided, single submitter. Criteria: ACMG Guidelines, 2015. Collection method: reference population. Allele origin: germline. Observed: 2 variant alleles.

Juno Genomics, Hangzhou Juno Genomics, Inc
Classification: Pathogenic for Cholestanol storage disease. Review status: criteria provided, single submitter. Criteria: ACMG Guidelines, 2015. Collection method: clinical testing. Allele origin: germline.
Comment: Absent from controls (or at extremely low frequency if recessive) in Genome Aggregation Database.;Multiple lines of computational evidence support a deleterious effect on the gene or gene product.;For recessive disorders, detected in trans with a pathogenic variant.

Centre de Biologie Pathologie Génétique, Centre Hospitalier Universitaire de Lille
Classification: Uncertain significance for Intellectual disability. Last evaluated: 2019-01-01. Review status: no assertion criteria provided. Collection method: clinical testing. Allele origin: unknown. Affected: yes. Not counted in ClinVar's aggregate classification.

Counsyl
Classification: Likely pathogenic for Cholestanol storage disease. Last evaluated: 2017-02-16. Review status: no assertion criteria provided. Collection method: clinical testing. Allele origin: unknown. Not counted in ClinVar's aggregate classification.

OMIM
Classification: Pathogenic for CEREBROTENDINOUS XANTHOMATOSIS. Last evaluated: 1997-05-01. Review status: no assertion criteria provided. Collection method: literature only. Allele origin: germline. Not counted in ClinVar's aggregate classification.

Literature cited by the submitters: PubMed 9186905 (cited by 7 submitters); PubMed 14741198 (cited by Labcorp Genetics (formerly Invitae), Labcorp); PubMed 21958693 (cited by 3 submitters); PubMed 25447658 (cited by Labcorp Genetics (formerly Invitae), Labcorp and Counsyl); PubMed 25941960 (cited by 4 submitters); PubMed 26861945 (cited by 3 submitters); PubMed 28623566 (cited by Labcorp Genetics (formerly Invitae), Labcorp); PubMed 29321515 (cited by Labcorp Genetics (formerly Invitae), Labcorp); PubMed 32523054 (cited by Women's Health and Genetics/Laboratory Corporation of America, LabCorp and 3billion); PubMed 33414089 (cited by Women's Health and Genetics/Laboratory Corporation of America, LabCorp); PubMed 16816916 (cited by Counsyl); PubMed 26206375 (cited by Counsyl).